The following is an entry in ClinVar:

ClinVar aggregate classification (germline): Uncertain significance (1 of 4 stars; one submission).

Conditions:
Colorectal cancer, hereditary nonpolyposis, type 7. Identifiers: Orphanet 144, MedGen C1858380, MONDO:0013725, OMIM 614385.

Submission:

Labcorp Genetics (formerly Invitae), Labcorp
Classification: Uncertain significance for Colorectal cancer, hereditary nonpolyposis, type 7. Last evaluated: 2025-03-23. Review status: criteria provided, single submitter. Criteria: Invitae Variant Classification Sherloc (09022015). Collection method: clinical testing. Allele origin: germline.
Comment: This sequence change replaces threonine, which is neutral and polar, with alanine, which is neutral and non-polar, at codon 570 of the MLH3 protein (p.Thr570Ala). This variant is not present in population databases (gnomAD no frequency). This variant has not been reported in the literature in individuals affected with MLH3-related conditions. An algorithm developed to predict the effect of missense changes on protein structure and function outputs the following: PolyPhen-2: "Benign". The alanine amino acid residue is found in multiple mammalian species, which suggests that this missense change does not adversely affect protein function. In summary, the available evidence is currently insufficient to determine the role of this variant in disease. Therefore, it has been classified as a Variant of Uncertain Significance.

NM_001040108.2(MLH3):c.1708A>G (p.Thr570Ala)

Gene: MLH3 (mutL homolog 3; minus strand). Cytogenetic location: 14q24.3.
Variant type: single nucleotide variant.
Coding change: c.1708A>G on transcript NM_001040108.2 (MANE Select); coding-DNA position 1708, A replaced by G.
Protein change: p.Thr570Ala; replaces threonine 570 with alanine.
Molecular consequence: missense variant.
Genome position (GRCh38, 1-based): chr14:75,047,948, T>C on the plus strand (A>G on the coding strand, the complement: MLH3 is on the minus strand). VCF-style: chr14-75047948-T-C. GRCh37 (hg19) VCF-style: chr14-75514651-T-C.
Other names: c.1708A>G, p.Thr570Ala (NM_014381.3); short protein forms T570A.
Identifiers: ClinVar variation 4805908 (VCV004805908.1).